The following is an entry in ClinVar:

NM_006790.3(MYOT):c.1024+5G>A

Genes: PKD2L2-DT (PKD2L2 divergent transcript; minus strand), MYOT (myotilin; plus strand). Cytogenetic location: 5q31.2.
Variant type: single nucleotide variant.
Coding change: c.1024+5G>A on transcript NM_006790.3 (MANE Select); 5 bases into the intron after coding-DNA position 1024, G replaced by A.
Molecular consequence: intron variant.
Genome position (GRCh38, 1-based): chr5:137,883,596, G>A. VCF-style: chr5-137883596-G-A. GRCh37 (hg19) VCF-style: chr5-137219285-G-A.
Other names: c.679+5G>A (NM_001300911.2); c.472+5G>A (NM_001135940.2).
Identifiers: ClinVar variation 1972763 (VCV001972763.5), dbSNP rs2532018757, ClinGen allele CA446561360.

ClinVar aggregate classification (germline): Uncertain significance (1 of 4 stars; one submission).

Conditions:
Myofibrillar myopathy 3 (MFM3). Also called: Autosomal dominant spheroid body myopathy; Muscular dystrophy, proximal, type 1A. Identifiers: Orphanet 266, Orphanet 268129, MedGen C3714934, MONDO:0012215, OMIM 609200.

Submission:

Labcorp Genetics (formerly Invitae), Labcorp
Classification: Uncertain significance for Myofibrillar myopathy 3. Last evaluated: 2022-08-13. Review status: criteria provided, single submitter. Criteria: Invitae Variant Classification Sherloc (09022015). Collection method: clinical testing. Allele origin: germline.
Comment: This sequence change falls in intron 7 of the MYOT gene. It does not directly change the encoded amino acid sequence of the MYOT protein. It affects a nucleotide within the consensus splice site. In summary, the available evidence is currently insufficient to determine the role of this variant in disease. Therefore, it has been classified as a Variant of Uncertain Significance. Variants that disrupt the consensus splice site are a relatively common cause of aberrant splicing (PMID: 17576681, 9536098). Algorithms developed to predict the effect of sequence changes on RNA splicing suggest that this variant may disrupt the consensus splice site. This variant has not been reported in the literature in individuals affected with MYOT-related conditions. This variant is not present in population databases (gnomAD no frequency).

Literature cited by the submitters: PubMed 17576681; PubMed 9536098.